The following is an entry in ClinVar:

NM_001009944.3(PKD1):c.4384G>T (p.Val1462Leu)

Gene: PKD1 (polycystin 1, transient receptor potential channel interacting; minus strand). Cytogenetic location: 16p13.3.
Variant type: single nucleotide variant.
Coding change: c.4384G>T on transcript NM_001009944.3 (MANE Select); coding-DNA position 4384, G replaced by T.
Protein change: p.Val1462Leu; replaces valine 1462 with leucine.
Molecular consequence: missense variant.
Genome position (GRCh38, 1-based): chr16:2,110,783, C>A on the plus strand (G>T on the coding strand, the complement: PKD1 is on the minus strand). VCF-style: chr16-2110783-C-A. GRCh37 (hg19) VCF-style: chr16-2160784-C-A.
Other names: c.4384G>T, p.Val1462Leu (NM_000296.4); short protein forms V1462L.
Identifiers: ClinVar variation 5005534 (VCV005005534.2).

ClinVar aggregate classification (germline): Uncertain significance (1 of 4 stars; one submission).

Conditions:
Polycystic kidney disease, adult type (PKD1). Also called: POLYCYSTIC KIDNEY DISEASE, ADULT, TYPE I; Polycystic Kidney, Autosomal Dominant; Polycystic Kidney Disease 1, Autosomal Dominant; Polycystic kidney disease 1; Polycystic kidney disease 1, severe; POLYCYSTIC KIDNEY DISEASE 1 WITH OR WITHOUT POLYCYSTIC LIVER DISEASE. Identifiers: MedGen C3149841, MONDO:0008263, OMIM 173900.

Submission:

Juno Genomics, Hangzhou Juno Genomics, Inc
Classification: Uncertain significance for Polycystic kidney disease, adult type. Review status: criteria provided, single submitter. Criteria: ACMG Guidelines, 2015. Collection method: clinical testing. Allele origin: germline.
Comment: Absent from controls (or at extremely low frequency if recessive) in Genome Aggregation Database.;Multiple lines of computational evidence suggest no impact on gene or gene product.